The following is an entry in ClinVar:

NM_004268.5(MED17):c.749A>C (p.Asp250Ala)

Gene: MED17 (mediator complex subunit 17; plus strand). Cytogenetic location: 11q21.
Variant type: single nucleotide variant.
Coding change: c.749A>C on transcript NM_004268.5 (MANE Select); coding-DNA position 749, A replaced by C.
Protein change: p.Asp250Ala; replaces aspartic acid 250 with alanine.
Molecular consequence: missense variant.
Genome position (GRCh38, 1-based): chr11:93,793,839, A>C. VCF-style: chr11-93793839-A-C. GRCh37 (hg19) VCF-style: chr11-93527005-A-C.
Other names: short protein forms D250A.
Identifiers: ClinVar variation 3676093 (VCV003676093.2).

ClinVar aggregate classification (germline): Uncertain significance (1 of 4 stars; one submission).

Submission:

Labcorp Genetics (formerly Invitae), Labcorp
Classification: Uncertain significance. Last evaluated: 2025-01-21. Review status: criteria provided, single submitter. Criteria: Invitae Variant Classification Sherloc (09022015). Collection method: clinical testing. Allele origin: germline.
Comment: This sequence change replaces aspartic acid, which is acidic and polar, with alanine, which is neutral and non-polar, at codon 250 of the MED17 protein (p.Asp250Ala). This variant is not present in population databases (gnomAD no frequency). This variant has not been reported in the literature in individuals affected with MED17-related conditions. Invitae Evidence Modeling of protein sequence and biophysical properties (such as structural, functional, and spatial information, amino acid conservation, physicochemical variation, residue mobility, and thermodynamic stability) indicates that this missense variant is not expected to disrupt MED17 protein function with a negative predictive value of 80%. In summary, the available evidence is currently insufficient to determine the role of this variant in disease. Therefore, it has been classified as a Variant of Uncertain Significance.